The following is an entry in ClinVar:

NM_152281.3(GORAB):c.810G>C (p.Leu270Phe)

Gene: GORAB (golgin, RAB6 interacting; plus strand). Cytogenetic location: 1q24.2.
Variant type: single nucleotide variant.
Coding change: c.810G>C on transcript NM_152281.3 (MANE Select); coding-DNA position 810, G replaced by C.
Protein change: p.Leu270Phe; replaces leucine 270 with phenylalanine.
Molecular consequence: missense variant. On other transcripts: non-coding transcript variant (1).
Genome position (GRCh38, 1-based): chr1:170,552,162, G>C. VCF-style: chr1-170552162-G-C. GRCh37 (hg19) VCF-style: chr1-170521303-G-C.
Other names: c.345G>C, p.Leu115Phe (NM_001320252.2); short protein forms L270F, L115F.
Identifiers: ClinVar variation 1399011 (VCV001399011.5), dbSNP rs1650157290, ClinGen allele CA343164909.

ClinVar aggregate classification (germline): Uncertain significance (1 of 4 stars; one submission).

Submission:

Labcorp Genetics (formerly Invitae), Labcorp
Classification: Uncertain significance. Last evaluated: 2022-07-06. Review status: criteria provided, single submitter. Criteria: Invitae Variant Classification Sherloc (09022015). Collection method: clinical testing. Allele origin: germline.
Comment: This sequence change replaces leucine, which is neutral and non-polar, with phenylalanine, which is neutral and non-polar, at codon 295 of the GORAB protein (p.Leu295Phe). This variant is not present in population databases (gnomAD no frequency). This variant has not been reported in the literature in individuals affected with GORAB-related conditions. ClinVar contains an entry for this variant (Variation ID: 1399011). Algorithms developed to predict the effect of missense changes on protein structure and function are either unavailable or do not agree on the potential impact of this missense change (SIFT: "Deleterious"; PolyPhen-2: "Probably Damaging"; Align-GVGD: "Class C15"). In summary, the available evidence is currently insufficient to determine the role of this variant in disease. Therefore, it has been classified as a Variant of Uncertain Significance.